The following is an entry in ClinVar:

ClinVar aggregate classification (germline): Uncertain significance (1 of 4 stars; one submission).

Conditions:
Inborn genetic diseases. Identifiers: MedGen C0950123, MeSH D030342.

Submission:

Ambry Genetics
Classification: Uncertain significance for Inborn genetic diseases. Last evaluated: 2023-06-17. Review status: criteria provided, single submitter. Criteria: Ambry Variant Classification Scheme 2023. Collection method: clinical testing. Allele origin: germline.
Comment: The p.G344S variant (also known as c.1030G>A), located in coding exon 4 of the SMAD6 gene, results from a G to A substitution at nucleotide position 1030. The glycine at codon 344 is replaced by serine, an amino acid with similar properties. This amino acid position is conserved. In addition, this alteration is predicted to be deleterious by in silico analysis. Since supporting evidence is limited at this time, the clinical significance of this alteration remains unclear.

NM_005585.5(SMAD6):c.1030G>A (p.Gly344Ser)

Gene: SMAD6 (SMAD family member 6; plus strand). Cytogenetic location: 15q22.31.
Variant type: single nucleotide variant.
Coding change: c.1030G>A on transcript NM_005585.5 (MANE Select); coding-DNA position 1030, G replaced by A.
Protein change: p.Gly344Ser; replaces glycine 344 with serine.
Molecular consequence: missense variant. On other transcripts: non-coding transcript variant (1).
Genome position (GRCh38, 1-based): chr15:66,781,074, G>A. VCF-style: chr15-66781074-G-A. GRCh37 (hg19) VCF-style: chr15-67073412-G-A.
Other names: short protein forms G344S.
Identifiers: ClinVar variation 2587744 (VCV002587744.2), dbSNP rs750690651, ClinGen allele CA393201710.